The following is an entry in ClinVar:

ClinVar aggregate classification (germline): Uncertain significance. Review status: criteria provided, multiple submitters, no conflicts (2 of 4 stars). 2 submissions from 2 submitters: Uncertain significance (2). Last evaluated 2025-06-09.

Conditions:
Zellweger spectrum disorders (ZS). Also called: Zellweger syndrome; Zellweger Spectrum Disorder; Zellweger Spectrum; Zellweger Spectrum Disorder (ZSD). Identifiers: Orphanet 912, MedGen C0043459, MONDO:0019609.
Inborn genetic diseases. Identifiers: MedGen C0950123, MeSH D030342.

Allele frequency attached by ClinVar (database versions not stated): TOPMed below 0.00001; gnomAD 0.00001; gnomAD exomes 0.00001; ExAC 0.00004.
gnomAD v4.1: 23 of 1,613,892 alleles (0.0014%); highest among the groups gnomAD compares: South Asian, 0.019%; no homozygotes.

Submissions (2):

Ambry Genetics
Classification: Uncertain significance for Inborn genetic diseases. Last evaluated: 2025-06-09. Review status: criteria provided, single submitter. Criteria: Ambry Variant Classification Scheme 2023. Collection method: clinical testing. Allele origin: germline.

Labcorp Genetics (formerly Invitae), Labcorp
Classification: Uncertain significance for Zellweger spectrum disorders. Last evaluated: 2022-07-11. Review status: criteria provided, single submitter. Criteria: Invitae Variant Classification Sherloc (09022015). Collection method: clinical testing. Allele origin: germline.
Comment: This sequence change replaces serine, which is neutral and polar, with glycine, which is neutral and non-polar, at codon 1091 of the PEX1 protein (p.Ser1091Gly). This variant is present in population databases (rs751747691, gnomAD 0.02%). This variant has not been reported in the literature in individuals affected with PEX1-related conditions. Algorithms developed to predict the effect of missense changes on protein structure and function are either unavailable or do not agree on the potential impact of this missense change (SIFT: "Deleterious"; PolyPhen-2: "Possibly Damaging"; Align-GVGD: "Class C0"). In summary, the available evidence is currently insufficient to determine the role of this variant in disease. Therefore, it has been classified as a Variant of Uncertain Significance.

NM_000466.3(PEX1):c.3271A>G (p.Ser1091Gly)

Genes: PEX1 (peroxisomal biogenesis factor 1; minus strand), GATAD1 (GATA zinc finger domain containing 1; plus strand). Cytogenetic location: 7q21.2.
Variant type: single nucleotide variant.
Coding change: c.3271A>G on transcript NM_000466.3 (MANE Select); coding-DNA position 3271, A replaced by G.
Protein change: p.Ser1091Gly; replaces serine 1091 with glycine.
Molecular consequence: missense variant.
Genome position (GRCh38, 1-based): chr7:92,491,439, T>C on the plus strand (A>G on the coding strand, the complement: PEX1 is on the minus strand). VCF-style: chr7-92491439-T-C. GRCh37 (hg19) VCF-style: chr7-92120753-T-C.
Other names: c.3100A>G, p.Ser1034Gly (NM_001282677.2); c.2647A>G, p.Ser883Gly (NM_001282678.2); c.3271A>G (NM_000466.2); short protein forms S1091G, S883G, S1034G.
Identifiers: ClinVar variation 2145528 (VCV002145528.2), dbSNP rs751747691, ClinGen allele CA4340859.